The following is an entry in ClinVar:

NM_006947.4(SRP72):c.778G>A (p.Val260Met)

Gene: SRP72 (signal recognition particle 72; plus strand). Cytogenetic location: 4q12.
Variant type: single nucleotide variant.
Coding change: c.778G>A on transcript NM_006947.4 (MANE Select); coding-DNA position 778, G replaced by A.
Protein change: p.Val260Met; replaces valine 260 with methionine.
Molecular consequence: missense variant. On other transcripts: non-coding transcript variant (1), intron variant (1).
Genome position (GRCh38, 1-based): chr4:56,478,602, G>A. VCF-style: chr4-56478602-G-A. GRCh37 (hg19) VCF-style: chr4-57344768-G-A.
Other names: c.778G>A (NM_006947.3); c.642+1900G>A (NM_001267722.2); short protein forms V260M.
Identifiers: ClinVar variation 3675263 (VCV003675263.3).

ClinVar aggregate classification (germline): Uncertain significance. Review status: criteria provided, multiple submitters, no conflicts (2 of 4 stars). 2 submissions from 2 submitters: Uncertain significance (2). Last evaluated 2025-10-26.

Submissions (2):

Labcorp Genetics (formerly Invitae), Labcorp
Classification: Uncertain significance. Last evaluated: 2025-10-26. Review status: criteria provided, single submitter. Criteria: Invitae Variant Classification Sherloc (09022015). Collection method: clinical testing. Allele origin: germline.
Comment: This sequence change replaces valine, which is neutral and non-polar, with methionine, which is neutral and non-polar, at codon 260 of the SRP72 protein (p.Val260Met). This variant is present in population databases (no rsID available, gnomAD 0.0009%). This variant has not been reported in the literature in individuals affected with SRP72-related conditions. ClinVar contains an entry for this variant (Variation ID: 3675263). Invitae Evidence Modeling of protein sequence and biophysical properties (such as structural, functional, and spatial information, amino acid conservation, physicochemical variation, residue mobility, and thermodynamic stability) indicates that this missense variant is not expected to disrupt SRP72 protein function with a negative predictive value of 80%. In summary, the available evidence is currently insufficient to determine the role of this variant in disease. Therefore, it has been classified as a Variant of Uncertain Significance.

Ambry Genetics
Classification: Uncertain significance. Last evaluated: 2024-12-20. Review status: criteria provided, single submitter. Criteria: Ambry Variant Classification Scheme 2023. Collection method: clinical testing. Allele origin: germline.
Comment: The p.V260M variant (also known as c.778G>A), located in coding exon 8 of the SRP72 gene, results from a G to A substitution at nucleotide position 778. The valine at codon 260 is replaced by methionine, an amino acid with highly similar properties. This amino acid position is conserved. In addition, this alteration is predicted to be tolerated by in silico analysis. Based on the available evidence, the clinical significance of this variant remains unclear.